The following is an entry in ClinVar:

NM_014633.5(CTR9):c.2158G>C (p.Val720Leu)

Gene: CTR9 (CTR9 component of Paf1/RNA polymerase II complex; plus strand). Cytogenetic location: 11p15.4.
Variant type: single nucleotide variant.
Coding change: c.2158G>C on transcript NM_014633.5 (MANE Select); coding-DNA position 2158, G replaced by C.
Protein change: p.Val720Leu; replaces valine 720 with leucine.
Molecular consequence: missense variant.
Genome position (GRCh38, 1-based): chr11:10,770,258, G>C. VCF-style: chr11-10770258-G-C. GRCh37 (hg19) VCF-style: chr11-10791805-G-C.
Other names: c.2158G>C, p.Val720Leu (NM_001346279.2); short protein forms V720L.
Identifiers: ClinVar variation 3615241 (VCV003615241.2).
Genomic context (GRCh38, chr11:10,770,258, plus strand): 5'-CTTTTACTGTAGTATGAAAACTGCCTCCGAAAGTTCTATAAGCACCAAAACACTGAAGTT[G>C]TACTCTATTTGGCCCGGGCCCTCTTCAAGTGTGGCAAGTTACAGGAATGCAAACAGACTT-3'
Protein context (NP_055448.1, residues 710-730): KFYKHQNTEV[Val720Leu]LYLARALFKC

ClinVar aggregate classification (germline): Uncertain significance (1 of 4 stars; one submission).

gnomAD v4.1: 1 of 1,614,046 alleles (0.000062%); highest among the groups gnomAD compares: Admixed American, 0.0017%; no homozygotes.

Submission:

Labcorp Genetics (formerly Invitae), Labcorp
Classification: Uncertain significance. Last evaluated: 2024-04-13. Review status: criteria provided, single submitter. Criteria: Invitae Variant Classification Sherloc (09022015). Collection method: clinical testing. Allele origin: germline.
Comment: This sequence change replaces valine, which is neutral and non-polar, with leucine, which is neutral and non-polar, at codon 720 of the CTR9 protein (p.Val720Leu). This variant is present in population databases (rs765237989, gnomAD 0.003%). This variant has not been reported in the literature in individuals affected with CTR9-related conditions. An algorithm developed to predict the effect of missense changes on protein structure and function (PolyPhen-2) suggests that this variant is likely to be tolerated. In summary, the available evidence is currently insufficient to determine the role of this variant in disease. Therefore, it has been classified as a Variant of Uncertain Significance.